The following is an entry in ClinVar:

NM_001369.3(DNAH5):c.4157del (p.Thr1386fs)

Genes: DNAH5 (dynein axonemal heavy chain 5; minus strand), DNAH5-AS1 (DNAH5 antisense RNA 1; plus strand). Cytogenetic location: 5p15.2.
Variant type: Deletion.
Coding change: c.4157del on transcript NM_001369.3 (MANE Select); coding-DNA position 4157, one base deleted (C; older notation c.4157delC).
Protein change: p.Thr1386fs; shifts the reading frame from threonine 1386.
Molecular consequence: frameshift variant.
Genome position (GRCh38, 1-based): chr5:13,865,866, G deleted on the plus strand (C on the coding strand, the reverse complement: DNAH5 is on the minus strand). VCF-style (leftmost placement, unchanged base first): chr5-13865865-AG-A. GRCh37 (hg19) VCF-style: chr5-13865974-AG-A.
Other names: c.4157delC (NM_001369.2); short protein forms T1386fs.
Identifiers: ClinVar variation 525276 (VCV000525276.10), dbSNP rs1554082872, ClinGen allele CA658796504.

ClinVar aggregate classification (germline): Pathogenic/Likely pathogenic. Review status: criteria provided, multiple submitters, no conflicts (2 of 4 stars). 2 submissions from 2 submitters: Pathogenic (1); Likely pathogenic (1). Last evaluated 2024-11-26.

Conditions:
Primary ciliary dyskinesia. Also called: Ciliary dyskinesia. Identifiers: Orphanet 244, MedGen C0008780, MONDO:0016575, HP:0012265.

Allele frequency attached by ClinVar (database versions not stated): gnomAD exomes below 0.00001.

Submissions (2):

Natera, Inc.
Classification: Likely pathogenic for Primary ciliary dyskinesia. Last evaluated: 2024-11-26. Review status: criteria provided, single submitter. Criteria: Natera Variant Classification Schema (03/2026). Collection method: clinical testing. Allele origin: germline.
Comment: The c.4157delC variant in DNAH5 is a frameshift variant predicted to shift the reading frame beginning at codon 1386 and leads to a stop codon 20 codons downstream. This variant is expected to result in nonsense mediated decay, truncation, or a dysfunctional protein product. This variant is rare in the general population with a frequency below the threshold expected for the associated phenotype(s). Given the available evidence, this variant is classified as Likely Pathogenic.

Labcorp Genetics (formerly Invitae), Labcorp
Classification: Pathogenic for Primary ciliary dyskinesia. Last evaluated: 2022-02-24. Review status: criteria provided, single submitter. Criteria: Invitae Variant Classification Sherloc (09022015). Collection method: clinical testing. Allele origin: germline.
Comment: This sequence change creates a premature translational stop signal (p.Thr1386Metfs*20) in the DNAH5 gene. It is expected to result in an absent or disrupted protein product. Loss-of-function variants in DNAH5 are known to be pathogenic (PMID: 11788826, 16627867). This variant is not present in population databases (gnomAD no frequency). This variant has not been reported in the literature in individuals affected with DNAH5-related conditions. ClinVar contains an entry for this variant (Variation ID: 525276). For these reasons, this variant has been classified as Pathogenic.

Literature cited by the submitters: PubMed 11788826 (cited by Labcorp Genetics (formerly Invitae), Labcorp); PubMed 16627867 (cited by Labcorp Genetics (formerly Invitae), Labcorp).